The following is an entry in ClinVar:

ClinVar aggregate classification (germline): Likely pathogenic. Review status: criteria provided, single submitter (1 of 4 stars). 2 submissions from 2 submitters: Likely pathogenic (1). 1 of the submissions does not count toward it. Last evaluated 2023-08-02.

Conditions:
Dilated cardiomyopathy 1G (CMD1G). Identifiers: Orphanet 154, MedGen C1858763, MONDO:0011400, OMIM 604145.
Autosomal recessive limb-girdle muscular dystrophy type 2J (LGMDR10). Also called: Limb-girdle muscular dystrophy, type 2J; MUSCULAR DYSTROPHY, LIMB-GIRDLE, AUTOSOMAL RECESSIVE 10. Identifiers: Orphanet 140922, MedGen C1837342, MONDO:0012127, OMIM 608807.

Submissions (2):

Labcorp Genetics (formerly Invitae), Labcorp
Classification: Likely pathogenic for Dilated cardiomyopathy 1G; Autosomal recessive limb-girdle muscular dystrophy type 2J. Last evaluated: 2023-08-02. Review status: criteria provided, single submitter. Criteria: Invitae Variant Classification Sherloc (09022015). Collection method: clinical testing. Allele origin: germline.
Comment: This sequence change creates a premature translational stop signal (p.Trp30868*) in the TTN gene. While this is not anticipated to result in nonsense mediated decay, it is expected to create a truncated TTN protein. This variant is not present in population databases (gnomAD no frequency). This variant has not been reported in the literature in individuals affected with TTN-related conditions. This variant is located in the A band of TTN (PMID: 25589632). Truncating variants in this region are significantly overrepresented in patients affected with dilated cardiomyopathy (PMID: 25589632). Truncating variants in this region have also been reported in individuals affected with autosomal recessive centronuclear myopathy (PMID: 23975875). In summary, the currently available evidence indicates that the variant is pathogenic, but additional data are needed to prove that conclusively. Therefore, this variant has been classified as Likely Pathogenic.

Cardiogenetics and Myogenetics Molecular and Cellular Functional Unit, Aphp Sorbonne University-Hopital Pitie Salpetriere
Classification: Likely pathogenic for Dilated cardiomyopathy 1G. Last evaluated: 2024-01-06. Review status: no assertion criteria provided. Collection method: clinical testing. Allele origin: germline. Affected: yes. Not counted in ClinVar's aggregate classification.

Literature cited by the submitters: PubMed 25589632 (cited by Labcorp Genetics (formerly Invitae), Labcorp); PubMed 23975875 (cited by Labcorp Genetics (formerly Invitae), Labcorp).

NM_001267550.2(TTN):c.92604G>A (p.Trp30868Ter)

Genes: TTN (titin; minus strand), TTN-AS1 (TTN antisense RNA 1; plus strand). Cytogenetic location: 2q31.2.
Variant type: single nucleotide variant.
Coding change: c.92604G>A on transcript NM_001267550.2 (MANE Select); coding-DNA position 92604, G replaced by A.
Protein change: p.Trp30868Ter; replaces tryptophan 30868 with a stop codon.
Molecular consequence: nonsense.
Genome position (GRCh38, 1-based): chr2:178,549,022, C>T on the plus strand (G>A on the coding strand, the complement: TTN is on the minus strand). VCF-style: chr2-178549022-C-T. GRCh37 (hg19) VCF-style: chr2-179413749-C-T.
Other names: c.87681G>A, p.Trp29227Ter (NM_001256850.1); c.65409G>A, p.Trp21803Ter (NM_003319.4); c.84900G>A, p.Trp28300Ter (NM_133378.4); c.65784G>A, p.Trp21928Ter (NM_133432.3); c.65985G>A, p.Trp21995Ter (NM_133437.4); short protein forms W30868*, W21995*, W29227*, W21803*, W21928*, W28300*.
Identifiers: ClinVar variation 2950587 (VCV002950587.4), dbSNP rs2469149693, ClinGen allele CA349492495.
Genomic context (GRCh38, chr2:178,549,022, plus strand): 5'-TGCTTGTAGATCAGTGACTGTATATCTTGTTTTCACACATGCCTCTGCATTCACCTTGTG[C>T]CAGTCTCCTAAGTCGGCCTTACACATTTCAATAATATACCCAATTATTTCCATGCCACCA-3'